The following is an entry in ClinVar:

NM_014319.5(LEMD3):c.266T>C (p.Met89Thr)

Gene: LEMD3 (LEM domain containing 3; plus strand). Cytogenetic location: 12q14.3.
Variant type: single nucleotide variant.
Coding change: c.266T>C on transcript NM_014319.5 (MANE Select); coding-DNA position 266, T replaced by C.
Protein change: p.Met89Thr; replaces methionine 89 with threonine.
Molecular consequence: missense variant.
Genome position (GRCh38, 1-based): chr12:65,169,862, T>C. VCF-style: chr12-65169862-T-C. GRCh37 (hg19) VCF-style: chr12-65563642-T-C.
Other names: c.266T>C, p.Met89Thr (NM_001167614.2); short protein forms M89T.
Identifiers: ClinVar variation 3014013 (VCV003014013.3), dbSNP rs2498938010, ClinGen allele CA385672351.

ClinVar aggregate classification (germline): Uncertain significance (1 of 4 stars; one submission).

gnomAD v4.1: 5 of 1,454,506 alleles (0.00034%); highest among the groups gnomAD compares: Non-Finnish European, 0.000091%; no homozygotes.

Submission:

Labcorp Genetics (formerly Invitae), Labcorp
Classification: Uncertain significance. Last evaluated: 2025-09-30. Review status: criteria provided, single submitter. Criteria: Invitae Variant Classification Sherloc (09022015). Collection method: clinical testing. Allele origin: germline.
Comment: This sequence change replaces methionine, which is neutral and non-polar, with threonine, which is neutral and polar, at codon 89 of the LEMD3 protein (p.Met89Thr). This variant is not present in population databases (gnomAD no frequency). This variant has not been reported in the literature in individuals affected with LEMD3-related conditions. ClinVar contains an entry for this variant (Variation ID: 3014013). An algorithm developed to predict the effect of missense changes on protein structure and function (PolyPhen-2) suggests that this variant is likely to be disruptive. In summary, the available evidence is currently insufficient to determine the role of this variant in disease. Therefore, it has been classified as a Variant of Uncertain Significance.